The following is an entry in ClinVar:

ClinVar aggregate classification (germline): Likely benign (1 of 4 stars; one submission).

gnomAD v4.1: 1 of 1,613,834 alleles (0.000062%); highest among the groups gnomAD compares: South Asian, 0.0011%; no homozygotes.

Submission:

CeGaT Center for Human Genetics Tuebingen
Classification: Likely benign. Last evaluated: 2025-10-01. Review status: criteria provided, single submitter. Criteria: CeGaT Center For Human Genetics Tuebingen Variant Classification Criteria Version 2. Collection method: clinical testing. Allele origin: germline. Affected: yes. Observed: 1 variant allele.
Comment: AMT: BP4, BP7

NM_000481.4(AMT):c.219C>T (p.Arg73=)

Gene: AMT (aminomethyltransferase; minus strand). Cytogenetic location: 3p21.31.
Variant type: single nucleotide variant.
Coding change: c.219C>T on transcript NM_000481.4 (MANE Select); coding-DNA position 219, C replaced by T.
Protein change: p.Arg73=; no amino-acid change (arginine 73 retained).
Molecular consequence: synonymous variant. On other transcripts: non-coding transcript variant (1), intron variant (1).
Genome position (GRCh38, 1-based): chr3:49,422,143, G>A on the plus strand (C>T on the coding strand, the complement: AMT is on the minus strand). VCF-style: chr3-49422143-G-A. GRCh37 (hg19) VCF-style: chr3-49459576-G-A.
Other names: c.219C>T, p.Arg73= (NM_001164710.2, NM_001164712.2); c.90+218C>T (NM_001164711.2).
Identifiers: ClinVar variation 4534926 (VCV004534926.6).